The following is an entry in ClinVar:

ClinVar aggregate classification (germline): Uncertain significance (1 of 4 stars; one submission).

Conditions:
Fibrous dysplasia of jaw (CRBM). Also called: Cherubism. Identifiers: Orphanet 184, MedGen C0008029, MONDO:0007315, OMIM 118400.

Submission:

Labcorp Genetics (formerly Invitae), Labcorp
Classification: Uncertain significance for Fibrous dysplasia of jaw. Last evaluated: 2021-11-01. Review status: criteria provided, single submitter. Criteria: Invitae Variant Classification Sherloc (09022015). Collection method: clinical testing. Allele origin: germline.
Comment: A copy number gain of the genomic region encompassing the full coding sequence of the SH3BP2 gene has been identified. The boundaries of this event are unknown as they extend beyond the assayed region for this gene and therefore may encompass additional genes. As the precise location of this event is unknown, it may be in tandem or it may be located elsewhere in the genome. This variant has not been reported in the literature in individuals affected with SH3BP2-related conditions. In summary, the available evidence is currently insufficient to determine the role of this variant in disease. Therefore, it has been classified as a Variant of Uncertain Significance.

NC_000004.11:g.(?_493125)_(3495228_?)dup

Genes: ADD1 (adducin 1; plus strand), ATP5ME (ATP synthase membrane subunit e; minus strand), CPLX1 (complexin 1; minus strand), CRIPAK (cysteine rich PAK1 inhibitor; plus strand), CTBP1 (C-terminal binding protein 1; minus strand) and 43 more. Cytogenetic location: 4p16.3.
Variant type: Duplication.
Identifiers: ClinVar variation 2424606 (VCV002424606.3).